The following is an entry in ClinVar:

NM_014014.5(SNRNP200):c.4196A>G (p.Asp1399Gly)

Gene: SNRNP200 (small nuclear ribonucleoprotein U5 subunit 200; minus strand). Cytogenetic location: 2q11.2.
Variant type: single nucleotide variant.
Coding change: c.4196A>G on transcript NM_014014.5 (MANE Select); coding-DNA position 4196, A replaced by G.
Protein change: p.Asp1399Gly; replaces aspartic acid 1399 with glycine.
Molecular consequence: missense variant.
Genome position (GRCh38, 1-based): chr2:96,284,554, T>C on the plus strand (A>G on the coding strand, the complement: SNRNP200 is on the minus strand). VCF-style: chr2-96284554-T-C. GRCh37 (hg19) VCF-style: chr2-96950292-T-C.
Other names: short protein forms D1399G.
Identifiers: ClinVar variation 4778552 (VCV004778552.1).

ClinVar aggregate classification (germline): Uncertain significance (1 of 4 stars; one submission).

gnomAD v4.1: 1 of 1,614,082 alleles (0.000062%); highest among the groups gnomAD compares: Non-Finnish European, 0.000085%; no homozygotes.

Submission:

Labcorp Genetics (formerly Invitae), Labcorp
Classification: Uncertain significance. Last evaluated: 2025-12-10. Review status: criteria provided, single submitter. Criteria: Invitae Variant Classification Sherloc (09022015). Collection method: clinical testing. Allele origin: germline.
Comment: This sequence change replaces aspartic acid, which is acidic and polar, with glycine, which is neutral and non-polar, at codon 1399 of the SNRNP200 protein (p.Asp1399Gly). This variant is not present in population databases (gnomAD no frequency). This variant has not been reported in the literature in individuals affected with SNRNP200-related conditions. Invitae Evidence Modeling of protein sequence and biophysical properties (such as structural, functional, and spatial information, amino acid conservation, physicochemical variation, residue mobility, and thermodynamic stability) indicates that this missense variant is not expected to disrupt SNRNP200 protein function with a negative predictive value of 95%. In summary, the available evidence is currently insufficient to determine the role of this variant in disease. Therefore, it has been classified as a Variant of Uncertain Significance.